The following is an entry in ClinVar:

ClinVar aggregate classification (germline): Conflicting classifications of pathogenicity. Review status: criteria provided, conflicting classifications (1 of 4 stars). 2 submissions from 2 submitters: Uncertain significance (1); Likely benign (1). Last evaluated 2025-08-18.

Conditions:
Hereditary cancer-predisposing syndrome. Also called: Hereditary Cancer Syndrome; Tumor predisposition; Neoplastic Syndromes, Hereditary; Hereditary neoplastic syndrome. Identifiers: Orphanet 140162, MedGen C0027672, MeSH D009386, MONDO:0015356.
Hereditary breast ovarian cancer syndrome. Also called: Hereditary breast and ovarian cancer syndrome; Hereditary breast and ovarian cancer; Hereditary breast and/or ovarian cancer syndrome; Hereditary breast and ovarian cancer syndrome (HBOC); Breast and ovarian cancer; BRCA1- and BRCA2-Associated Hereditary Breast and Ovarian Cancer. Identifiers: Orphanet 145, MedGen C0677776, MeSH D061325, MONDO:0003582. Disease mechanism: loss of function.

Submissions (2):

Labcorp Genetics (formerly Invitae), Labcorp
Classification: Uncertain significance for Hereditary breast ovarian cancer syndrome. Last evaluated: 2025-08-18. Review status: criteria provided, single submitter. Criteria: Invitae Variant Classification Sherloc (09022015). Collection method: clinical testing. Allele origin: germline.
Comment: This sequence change replaces glutamine, which is neutral and polar, with arginine, which is basic and polar, at codon 713 of the BRCA2 protein (p.Gln713Arg). This variant is not present in population databases (gnomAD no frequency). This variant has not been reported in the literature in individuals affected with BRCA2-related conditions. ClinVar contains an entry for this variant (Variation ID: 2420895). Invitae Evidence Modeling of protein sequence and biophysical properties (such as structural, functional, and spatial information, amino acid conservation, physicochemical variation, residue mobility, and thermodynamic stability) indicates that this missense variant is not expected to disrupt BRCA2 protein function with a negative predictive value of 95%. In summary, the available evidence is currently insufficient to determine the role of this variant in disease. Therefore, it has been classified as a Variant of Uncertain Significance.

University of Washington Department of Laboratory Medicine, University of Washington
Classification: Likely benign for Hereditary cancer-predisposing syndrome. Last evaluated: 2023-03-23. Review status: criteria provided, single submitter. Criteria: Dines et al. (Genet Med. 2020). Collection method: curation. Allele origin: germline.
Comment: Missense variant in a coldspot region where missense variants are very unlikely to be pathogenic (PMID:31911673).

BRCA2 exon 11 coldspot. Reclassification based on statistical prior probability.

NM_000059.4(BRCA2):c.2138A>G (p.Gln713Arg)

Gene: BRCA2 (BRCA2 DNA repair associated; plus strand). Cytogenetic location: 13q13.1.
Variant type: single nucleotide variant.
Coding change: c.2138A>G on transcript NM_000059.4 (MANE Select); coding-DNA position 2138, A replaced by G.
Protein change: p.Gln713Arg; replaces glutamine 713 with arginine.
Molecular consequence: missense variant.
Genome position (GRCh38, 1-based): chr13:32,336,493, A>G. VCF-style: chr13-32336493-A-G. GRCh37 (hg19) VCF-style: chr13-32910630-A-G.
Other names: c.2138A>G, p.Gln713Arg (NM_001406719.1, NM_001406720.1); short protein forms Q713R.
Identifiers: ClinVar variation 2420895 (VCV002420895.10), dbSNP rs55816687, ClinGen allele CA387770116.